The following is an entry in ClinVar:

NM_000548.5(TSC2):c.4189A>T (p.Ile1397Phe)

Gene: TSC2 (TSC complex subunit 2; plus strand). Cytogenetic location: 16p13.3.
Variant type: single nucleotide variant.
Coding change: c.4189A>T on transcript NM_000548.5 (MANE Select); coding-DNA position 4189, A replaced by T.
Protein change: p.Ile1397Phe; replaces isoleucine 1397 with phenylalanine.
Molecular consequence: missense variant. On other transcripts: non-coding transcript variant (5).
Genome position (GRCh38, 1-based): chr16:2,084,411, A>T. VCF-style: chr16-2084411-A-T. GRCh37 (hg19) VCF-style: chr16-2134412-A-T.
Other names: c.3988A>T, p.Ile1330Phe (NM_001077183.3); c.4120A>T, p.Ile1374Phe (NM_001114382.3); c.3880A>T, p.Ile1294Phe (NM_001318827.2); c.3844A>T, p.Ile1282Phe (NM_001318829.2); c.3457A>T, p.Ile1153Phe (NM_001318831.2); c.4021A>T, p.Ile1341Phe (NM_001318832.2); c.3991A>T, p.Ile1331Phe (NM_001363528.2); c.4057A>T, p.Ile1353Phe (NM_001370404.1); and 26 more; short protein forms I1197F, I1282F, I1325F, I1330F, I1331F, I1371F, I1374F, I1397F.
Identifiers: ClinVar variation 4825916 (VCV004825916.1).

ClinVar aggregate classification (germline): Uncertain significance (1 of 4 stars; one submission).

Conditions:
Hereditary cancer-predisposing syndrome. Also called: Neoplastic Syndromes, Hereditary; Tumor predisposition; Hereditary Cancer Syndrome; Hereditary neoplastic syndrome. Identifiers: Orphanet 140162, MedGen C0027672, MeSH D009386, MONDO:0015356.

Submission:

Ambry Genetics
Classification: Uncertain significance for Hereditary cancer-predisposing syndrome. Last evaluated: 2026-02-09. Review status: criteria provided, single submitter. Criteria: Ambry Variant Classification Scheme 2023. Collection method: clinical testing. Allele origin: germline.
Comment: The p.I1397F variant (also known as c.4189A>T), located in coding exon 33 of the TSC2 gene, results from an A to T substitution at nucleotide position 4189. The isoleucine at codon 1397 is replaced by phenylalanine, an amino acid with highly similar properties. This amino acid position is not well conserved in available vertebrate species. In addition, the in silico prediction for this alteration is inconclusive. Based on the available evidence, the clinical significance of this variant remains unclear.